The following is an entry in ClinVar:

ClinVar aggregate classification (germline): Uncertain significance (1 of 4 stars; one submission).

Submission:

GeneDx
Classification: Uncertain significance. Last evaluated: 2024-12-09. Review status: criteria provided, single submitter. Criteria: GeneDx Variant Classification Process June 2021. Collection method: clinical testing. Allele origin: germline. Affected: yes.
Comment: Not observed at significant frequency in large population cohorts (gnomAD); In silico analysis indicates that this missense variant does not alter protein structure/function; Has not been previously published as pathogenic or benign to our knowledge

NM_002872.5(RAC2):c.555G>C (p.Gln185His)

Gene: RAC2 (Rac family small GTPase 2; minus strand). Cytogenetic location: 22q13.1.
Variant type: single nucleotide variant.
Coding change: c.555G>C on transcript NM_002872.5 (MANE Select); coding-DNA position 555, G replaced by C.
Protein change: p.Gln185His; replaces glutamine 185 with histidine.
Molecular consequence: missense variant.
Genome position (GRCh38, 1-based): chr22:37,226,697, C>G on the plus strand (G>C on the coding strand, the complement: RAC2 is on the minus strand). VCF-style: chr22-37226697-C-G. GRCh37 (hg19) VCF-style: chr22-37622737-C-G.
Other names: short protein forms Q185H.
Identifiers: ClinVar variation 3901817 (VCV003901817.1).
Genomic context (GRCh38, chr22:37,226,697, plus strand): 5'-ATGGGAGTTGGGCACTAGAGTGGGGGACTCTTACCCCTAGAGGAGGCTGCAGGCGCGCTT[C>G]TGCTGCCGCGTGGGCTGAGGGCACAGCACGGCCCGGATGGCCTCGTCGAACACGGTTTTC-3'
Protein context (NP_002863.1, residues 175-192): AVLCPQPTRQ[Gln185His]KRACSLL